The following is an entry in ClinVar:

ClinVar aggregate classification (germline): Uncertain significance. Review status: criteria provided, multiple submitters, no conflicts (2 of 4 stars). 2 submissions from 2 submitters: Uncertain significance (2). Last evaluated 2026-08-04.

Conditions:
Hereditary cancer-predisposing syndrome. Also called: Hereditary Cancer Syndrome; Neoplastic Syndromes, Hereditary; Hereditary neoplastic syndrome; Tumor predisposition. Identifiers: Orphanet 140162, MedGen C0027672, MeSH D009386, MONDO:0015356.
Neuroblastoma, susceptibility to, 3. Also called: ALK-Related Neuroblastic Tumor Susceptibility. Identifiers: Orphanet 635, MedGen C2751681, MONDO:0013083, OMIM 613014.

Allele frequency attached by ClinVar (database versions not stated): gnomAD 0.00001; gnomAD exomes below 0.00001.
gnomAD v4.1: 8 of 1,613,978 alleles (0.0005%); highest among the groups gnomAD compares: Non-Finnish European, 0.00068%; no homozygotes.

Submissions (2):

Ambry Genetics
Classification: Uncertain significance for Hereditary cancer-predisposing syndrome. Last evaluated: 2026-08-04. Review status: criteria provided, single submitter. Criteria: Ambry Variant Classification Scheme 2023. Collection method: clinical testing. Allele origin: germline.
Comment: The p.Q1617* variant (also known as c.4849C>T), located in coding exon 29 of the ALK gene, results from a C to T substitution at nucleotide position 4849. This changes the amino acid from a glutamine to a stop codon within coding exon 29. This variant occurs at the 3' terminus of the gene and is not expected to trigger nonsense-mediated mRNA decay. Based on the available evidence, the clinical significance of this variant remains unclear.

Labcorp Genetics (formerly Invitae), Labcorp
Classification: Uncertain significance for Neuroblastoma, susceptibility to, 3. Last evaluated: 2025-08-18. Review status: criteria provided, single submitter. Criteria: Invitae Variant Classification Sherloc (09022015). Collection method: clinical testing. Allele origin: germline.
Comment: This sequence change creates a premature translational stop signal (p.Gln1617*) in the ALK gene. While this is not anticipated to result in nonsense mediated decay, it is expected to disrupt the last 4 amino acid(s) of the ALK protein. This variant is present in population databases (no rsID available, gnomAD 0.0009%). This premature translational stop signal has been observed in individual(s) with ovarian cancer (PMID: 26689913, 36451132). ClinVar contains an entry for this variant (Variation ID: 1403268). In summary, the available evidence is currently insufficient to determine the role of this variant in disease. Therefore, it has been classified as a Variant of Uncertain Significance.

Literature cited by the submitters: PubMed 26689913 (cited by Labcorp Genetics (formerly Invitae), Labcorp); PubMed 36451132 (cited by Labcorp Genetics (formerly Invitae), Labcorp).

NM_004304.5(ALK):c.4849C>T (p.Gln1617Ter)

Gene: ALK (ALK receptor tyrosine kinase; minus strand). Cytogenetic location: 2p23.2.
Variant type: single nucleotide variant.
Coding change: c.4849C>T on transcript NM_004304.5 (MANE Select); coding-DNA position 4849, C replaced by T.
Protein change: p.Gln1617Ter; replaces glutamine 1617 with a stop codon.
Molecular consequence: nonsense.
Genome position (GRCh38, 1-based): chr2:29,193,238, G>A on the plus strand (C>T on the coding strand, the complement: ALK is on the minus strand). VCF-style: chr2-29193238-G-A. GRCh37 (hg19) VCF-style: chr2-29416104-G-A.
Other names: c.1645C>T, p.Gln549Ter (NM_001353765.2); c.4849C>T (NM_004304.4); short protein forms Q549*, Q1617*.
Identifiers: ClinVar variation 1403268 (VCV001403268.8), dbSNP rs1345614251, ClinGen allele CA346460015.